The following is an entry in ClinVar:

NM_000436.4(OXCT1):c.696G>A (p.Leu232=)

Gene: OXCT1 (3-oxoacid CoA-transferase 1; minus strand). Cytogenetic location: 5p13.1.
Variant type: single nucleotide variant.
Coding change: c.696G>A on transcript NM_000436.4 (MANE Select); coding-DNA position 696, G replaced by A.
Protein change: p.Leu232=; no amino-acid change (leucine 232 retained).
Molecular consequence: synonymous variant. On other transcripts: non-coding transcript variant (1).
Genome position (GRCh38, 1-based): chr5:41,840,487, C>T on the plus strand (G>A on the coding strand, the complement: OXCT1 is on the minus strand). VCF-style: chr5-41840487-C-T. GRCh37 (hg19) VCF-style: chr5-41840589-C-T.
Other names: p.Leu232=; c.717G>A, p.Leu239= (NM_001364299.2, NM_001364300.2); c.696G>A, p.Leu232= (NM_001364301.2, NM_001364302.2); c.138G>A, p.Leu46= (NM_001364303.2).
Identifiers: ClinVar variation 353663 (VCV000353663.18), dbSNP rs138363255, ClinGen allele CA3253513.

ClinVar aggregate classification (germline): Benign/Likely benign. Review status: criteria provided, multiple submitters, no conflicts (2 of 4 stars). 5 submissions from 5 submitters: Benign (1); Likely benign (4). Last evaluated 2026-06-01.

Conditions:
Succinyl-CoA acetoacetate transferase deficiency (SCOTD). Also called: KETOACIDOSIS DUE TO SCOT DEFICIENCY; SCOT DEFICIENCY; SUCCINYL-CoA:3-KETOACID CoA-TRANSFERASE DEFICIENCY; 3-Oxoacid CoA Transferase Deficiency; Succinyl CoA:3-oxoacid CoA transferase deficiency. Identifiers: Orphanet 832, MedGen C0342792, MONDO:0009492, OMIM 245050.

Allele frequency attached by ClinVar (database versions not stated): gnomAD exomes 0.00024 and 0.00063; ExAC 0.00079; gnomAD 0.00224 and 0.00234; 1000 Genomes Project 0.00260; TOPMed 0.00262; 1000 Genomes Project 30x 0.00265; ESP Exome Variant Server 0.00284.
gnomAD v4.1: 704 of 1,613,254 alleles (0.044%); highest among the groups gnomAD compares: African/African-American, 0.82%; 3 homozygotes.

Submissions (5):

CeGaT Center for Human Genetics Tuebingen
Classification: Likely benign. Last evaluated: 2026-06-01. Review status: criteria provided, single submitter. Criteria: CeGaT Center For Human Genetics Tuebingen Variant Classification Criteria Version 2. Collection method: clinical testing. Allele origin: germline. Affected: yes. Observed: 1 variant allele.
Comment: OXCT1: BP4

Labcorp Genetics (formerly Invitae), Labcorp
Classification: Benign for Succinyl-CoA acetoacetate transferase deficiency. Last evaluated: 2026-01-05. Review status: criteria provided, single submitter. Criteria: Invitae Variant Classification Sherloc (09022015). Collection method: clinical testing. Allele origin: germline.

Mayo Clinic Laboratories, Mayo Clinic
Classification: Likely benign. Last evaluated: 2025-04-09. Review status: criteria provided, single submitter. Criteria: ACMG Guidelines, 2015. Collection method: clinical testing. Allele origin: germline. Observed: 2 variant alleles.
Comment: BS1, BP4, BP7

Blueprint Genetics
Classification: Likely benign. Last evaluated: 2024-02-26. Review status: criteria provided, single submitter. Criteria: ACMG Guidelines, 2015. Collection method: clinical testing. Allele origin: germline.

Illumina Laboratory Services, Illumina
Classification: Likely benign for Succinyl-CoA acetoacetate transferase deficiency. Last evaluated: 2018-01-13. Review status: criteria provided, single submitter. Criteria: ICSL Variant Classification Criteria 13 December 2019. Collection method: clinical testing. Allele origin: germline.
Comment: This variant was observed in the ICSL laboratory as part of a predisposition screen in an ostensibly healthy population. It had not been previously curated by ICSL or reported in the Human Gene Mutation Database (HGMD: prior to June 1st, 2018), and was therefore a candidate for classification through an automated scoring system. Utilizing variant allele frequency, disease prevalence and penetrance estimates, and inheritance mode, an automated score was calculated to assess if this variant is too frequent to cause the disease. Based on the score and internal cut-off values, a variant classified as likely benign is not then subjected to further curation. The score for this variant resulted in a classification of likely benign for this disease.